The following is an entry in ClinVar:

ClinVar aggregate classification (germline): Uncertain significance (1 of 4 stars; one submission).

Conditions:
Fanconi anemia (FA). Also called: Fanconi's anemia. Identifiers: Orphanet 84, MedGen C0015625, MeSH D005199, MONDO:0019391.

Submission:

Labcorp Genetics (formerly Invitae), Labcorp
Classification: Uncertain significance for Fanconi anemia. Last evaluated: 2022-09-07. Review status: criteria provided, single submitter. Criteria: Invitae Variant Classification Sherloc (09022015). Collection method: clinical testing. Allele origin: germline.
Comment: In summary, the available evidence is currently insufficient to determine the role of this variant in disease. Therefore, it has been classified as a Variant of Uncertain Significance. Algorithms developed to predict the effect of missense changes on protein structure and function output the following: SIFT: "Tolerated"; PolyPhen-2: "Benign"; Align-GVGD: "Class C0". The glutamic acid amino acid residue is found in multiple mammalian species, which suggests that this missense change does not adversely affect protein function. This variant has not been reported in the literature in individuals affected with SLX4-related conditions. This variant is not present in population databases (gnomAD no frequency). This sequence change replaces glycine, which is neutral and non-polar, with glutamic acid, which is acidic and polar, at codon 1297 of the SLX4 protein (p.Gly1297Glu).

NM_032444.4(SLX4):c.3890G>A (p.Gly1297Glu)

Gene: SLX4 (SLX4 structure-specific endonuclease subunit; minus strand). Cytogenetic location: 16p13.3.
Variant type: single nucleotide variant.
Coding change: c.3890G>A on transcript NM_032444.4 (MANE Select); coding-DNA position 3890, G replaced by A.
Protein change: p.Gly1297Glu; replaces glycine 1297 with glutamic acid.
Molecular consequence: missense variant.
Genome position (GRCh38, 1-based): chr16:3,589,748, C>T on the plus strand (G>A on the coding strand, the complement: SLX4 is on the minus strand). VCF-style: chr16-3589748-C-T. GRCh37 (hg19) VCF-style: chr16-3639749-C-T.
Other names: short protein forms G1297E.
Identifiers: ClinVar variation 2144502 (VCV002144502.2), dbSNP rs2548211967, ClinGen allele CA394518987.